The following is an entry in ClinVar:

NM_005076.5(CNTN2):c.3123A>G (p.Ter1041Trp)

Gene: CNTN2 (contactin 2; plus strand). Cytogenetic location: 1q32.1.
Variant type: single nucleotide variant.
Coding change: c.3123A>G on transcript NM_005076.5 (MANE Select); coding-DNA position 3123, A replaced by G.
Protein change: p.Ter1041Trp.
Molecular consequence: stop lost. On other transcripts: non-coding transcript variant (1).
Genome position (GRCh38, 1-based): chr1:205,073,765, A>G. VCF-style: chr1-205073765-A-G. GRCh37 (hg19) VCF-style: chr1-205042893-A-G.
Other names: c.3123A>G, p.Ter1041Trp (NM_001346083.2).
Identifiers: ClinVar variation 1367882 (VCV001367882.6), dbSNP rs2151201303, ClinGen allele CA344384458.
Genomic context (GRCh38, chr1:205,073,765, plus strand): 5'-TGGCACCGTCATTTCCCACTCCGTGGCGATGCTGATCCTCATAGGCTCCCTGGAGCTCTG[A>G]TCCTGGAACCCCTCCCTCTGCGCCGCAGCTGGACGCCACCTCCGACGGACACAGCCAGCC-3'

ClinVar aggregate classification (germline): Uncertain significance (1 of 4 stars; one submission).

Conditions:
Epilepsy, familial adult myoclonic, 5 (EPEO5). Also called: CORTICAL MYOCLONIC TREMOR WITH EPILEPSY, FAMILIAL, 5. Identifiers: Orphanet 86814, MedGen C3809374, MONDO:0014167, OMIM 615400.

Submission:

Labcorp Genetics (formerly Invitae), Labcorp
Classification: Uncertain significance for Epilepsy, familial adult myoclonic, 5. Last evaluated: 2024-06-03. Review status: criteria provided, single submitter. Criteria: Invitae Variant Classification Sherloc (09022015). Collection method: clinical testing. Allele origin: germline.
Comment: This sequence change disrupts the translational stop signal of the CNTN2 mRNA. It is expected to extend the length of the CNTN2 protein by 42 additional amino acid residues. This variant is not present in population databases (gnomAD no frequency). This variant has not been reported in the literature in individuals affected with CNTN2-related conditions. ClinVar contains an entry for this variant (Variation ID: 1367882). Experimental studies and prediction algorithms are not available or were not evaluated, and the functional significance of this variant is currently unknown. In summary, the available evidence is currently insufficient to determine the role of this variant in disease. Therefore, it has been classified as a Variant of Uncertain Significance.